The following is an entry in ClinVar:

NM_001852.4(COL9A2):c.715A>G (p.Met239Val)

Gene: COL9A2 (collagen type IX alpha 2 chain; minus strand). Cytogenetic location: 1p34.2.
Variant type: single nucleotide variant.
Coding change: c.715A>G on transcript NM_001852.4 (MANE Select); coding-DNA position 715, A replaced by G.
Protein change: p.Met239Val; replaces methionine 239 with valine.
Molecular consequence: missense variant.
Genome position (GRCh38, 1-based): chr1:40,310,287, T>C on the plus strand (A>G on the coding strand, the complement: COL9A2 is on the minus strand). VCF-style: chr1-40310287-T-C. GRCh37 (hg19) VCF-style: chr1-40775959-T-C.
Other names: short protein forms M239V.
Identifiers: ClinVar variation 4808759 (VCV004808759.1).

ClinVar aggregate classification (germline): Uncertain significance (1 of 4 stars; one submission).

Submission:

Labcorp Genetics (formerly Invitae), Labcorp
Classification: Uncertain significance. Last evaluated: 2026-01-13. Review status: criteria provided, single submitter. Criteria: Invitae Variant Classification Sherloc (09022015). Collection method: clinical testing. Allele origin: germline.
Comment: This sequence change replaces methionine, which is neutral and non-polar, with valine, which is neutral and non-polar, at codon 239 of the COL9A2 protein (p.Met239Val). This variant is not present in population databases (gnomAD no frequency). This variant has not been reported in the literature in individuals affected with COL9A2-related conditions. Invitae Evidence Modeling of protein sequence and biophysical properties (such as structural, functional, and spatial information, amino acid conservation, physicochemical variation, residue mobility, and thermodynamic stability) indicates that this missense variant is not expected to disrupt COL9A2 protein function with a negative predictive value of 95%. In summary, the available evidence is currently insufficient to determine the role of this variant in disease. Therefore, it has been classified as a Variant of Uncertain Significance.